The following is an entry in ClinVar:

NM_000170.3(GLDC):c.1271G>A (p.Arg424Gln)

Gene: GLDC (glycine decarboxylase; minus strand). Cytogenetic location: 9p24.1.
Variant type: single nucleotide variant.
Coding change: c.1271G>A on transcript NM_000170.3 (MANE Select); coding-DNA position 1271, G replaced by A.
Protein change: p.Arg424Gln; replaces arginine 424 with glutamine.
Molecular consequence: missense variant.
Genome position (GRCh38, 1-based): chr9:6,592,981, C>T on the plus strand (G>A on the coding strand, the complement: GLDC is on the minus strand). VCF-style: chr9-6592981-C-T. GRCh37 (hg19) VCF-style: chr9-6592981-C-T.
Other names: short protein forms R424Q.
Identifiers: ClinVar variation 1430437 (VCV001430437.5), dbSNP rs2129853745, ClinGen allele CA372894168.
Genomic context (GRCh38, chr9:6,592,981, plus strand): 5'-CAGCCACACTGAATCTTCAAGGTATCAAAGAACAGGTCATGCTGGAGTTGATGCCCTGCT[C>T]GCTTGAGACCTACACAAGATAGGAGATCCCCCAAACTCTCATATAGAAACCTGCTCCTCA-3'
Protein context (NP_000161.2, residues 414-434): ATLILSEGLK[Arg424Gln]AGHQLQHDLF

ClinVar aggregate classification (germline): Uncertain significance (1 of 4 stars; one submission).

Conditions:
Glycine encephalopathy. Also called: Nonketotic hyperglycinemia; Non-ketotic hyperglycinemia. Identifiers: Orphanet 407, MedGen C0751748, MONDO:0011612, HP:0008288.

Allele frequency attached by ClinVar (database versions not stated): gnomAD exomes below 0.00001.
gnomAD v4.1: 8 of 1,613,698 alleles (0.0005%); highest among the groups gnomAD compares: African/African-American, 0.0013%; no homozygotes.

Submission:

Labcorp Genetics (formerly Invitae), Labcorp
Classification: Uncertain significance for Glycine encephalopathy. Last evaluated: 2021-08-27. Review status: criteria provided, single submitter. Criteria: Invitae Variant Classification Sherloc (09022015). Collection method: clinical testing. Allele origin: germline.
Comment: This sequence change replaces arginine with glutamine at codon 424 of the GLDC protein (p.Arg424Gln). The arginine residue is moderately conserved and there is a small physicochemical difference between arginine and glutamine. This variant is not present in population databases (ExAC no frequency). This variant has not been reported in the literature in individuals affected with GLDC-related conditions. Algorithms developed to predict the effect of missense changes on protein structure and function (SIFT, PolyPhen-2, Align-GVGD) all suggest that this variant is likely to be tolerated. In summary, the available evidence is currently insufficient to determine the role of this variant in disease. Therefore, it has been classified as a Variant of Uncertain Significance.